The following is an entry in ClinVar:

ClinVar aggregate classification (germline): Uncertain significance (1 of 4 stars; one submission).

Conditions:
Early Myoclonic Encephalopathy. Identifiers: MedGen C0270855.

Allele frequency attached by ClinVar (database versions not stated): TOPMed below 0.00001.

Submission:

Labcorp Genetics (formerly Invitae), Labcorp
Classification: Uncertain significance for Early Myoclonic Encephalopathy. Last evaluated: 2022-05-29. Review status: criteria provided, single submitter. Criteria: Invitae Variant Classification Sherloc (09022015). Collection method: clinical testing. Allele origin: germline.
Comment: This sequence change replaces leucine, which is neutral and non-polar, with serine, which is neutral and polar, at codon 245 of the KCND2 protein (p.Leu245Ser). This variant is not present in population databases (gnomAD no frequency). This variant has not been reported in the literature in individuals affected with KCND2-related conditions. Advanced modeling of protein sequence and biophysical properties (such as structural, functional, and spatial information, amino acid conservation, physicochemical variation, residue mobility, and thermodynamic stability) performed at Invitae indicates that this missense variant is not expected to disrupt KCND2 protein function. In summary, the available evidence is currently insufficient to determine the role of this variant in disease. Therefore, it has been classified as a Variant of Uncertain Significance.

NM_012281.3(KCND2):c.734T>C (p.Leu245Ser)

Gene: KCND2 (potassium voltage-gated channel subfamily D member 2; plus strand). Cytogenetic location: 7q31.31.
Variant type: single nucleotide variant.
Coding change: c.734T>C on transcript NM_012281.3 (MANE Select); coding-DNA position 734, T replaced by C.
Protein change: p.Leu245Ser; replaces leucine 245 with serine.
Molecular consequence: missense variant.
Genome position (GRCh38, 1-based): chr7:120,275,366, T>C. VCF-style: chr7-120275366-T-C. GRCh37 (hg19) VCF-style: chr7-119915420-T-C.
Other names: short protein forms L245S.
Identifiers: ClinVar variation 2000415 (VCV002000415.4), dbSNP rs1584706669, ClinGen allele CA369132272.